The following is an entry in ClinVar:

ClinVar aggregate classification (germline): Likely benign (1 of 4 stars; one submission).

Submission:

CeGaT Center for Human Genetics Tuebingen
Classification: Likely benign. Last evaluated: 2026-02-01. Review status: criteria provided, single submitter. Criteria: CeGaT Center For Human Genetics Tuebingen Variant Classification Criteria Version 2. Collection method: clinical testing. Allele origin: germline. Affected: yes. Observed: 1 variant allele.
Comment: HERC2: PM2:Supporting, BP4, BP7

NM_004667.6(HERC2):c.8523C>T (p.Asp2841=)

Gene: HERC2 (HECT and RLD domain containing E3 ubiquitin protein ligase 2; minus strand). Cytogenetic location: 15q13.1.
Variant type: single nucleotide variant.
Coding change: c.8523C>T on transcript NM_004667.6 (MANE Select); coding-DNA position 8523, C replaced by T.
Protein change: p.Asp2841=; no amino-acid change (aspartic acid 2841 retained).
Molecular consequence: synonymous variant.
Genome position (GRCh38, 1-based): chr15:28,191,173, G>A on the plus strand (C>T on the coding strand, the complement: HERC2 is on the minus strand). VCF-style: chr15-28191173-G-A. GRCh37 (hg19) VCF-style: chr15-28436319-G-A.
Identifiers: ClinVar variation 4823421 (VCV004823421.4).